The following is an entry in ClinVar:

ClinVar aggregate classification (germline): Uncertain significance (1 of 4 stars; one submission).

Conditions:
TSEN54-related disorder. Also called: TSEN54-related condition.

gnomAD v4.1: 2 of 1,613,898 alleles (0.00012%); highest among the groups gnomAD compares: Non-Finnish European, 0.00017%; no homozygotes.

Submission:

PreventionGenetics, part of Exact Sciences
Classification: Uncertain significance for TSEN54-related condition. Last evaluated: 2023-03-31. Review status: criteria provided, single submitter. Criteria: ACMG Guidelines, 2015. Collection method: clinical testing. Allele origin: germline.
Comment: The TSEN54 c.1414C>G variant is predicted to result in the amino acid substitution p.Arg472Gly. To our knowledge, this variant has not been reported in the literature. This variant is reported in 0.00088% of alleles in individuals of European (Non-Finnish) descent in gnomAD. Of note, a different variant impacting the same amino acid (p.Arg472Gln) has been reported in a patient with an abnormality of the nervous system (Supplemental Table 3 in Retterer et al. 2016. PubMed ID: 26633542). At this time, the clinical significance of this c.1414C>G (p.Arg472Gly) variant is uncertain due to the absence of conclusive functional and genetic evidence.

NM_207346.3(TSEN54):c.1414C>G (p.Arg472Gly)

Gene: TSEN54 (tRNA splicing endonuclease subunit 54; plus strand). Cytogenetic location: 17q25.1.
Variant type: single nucleotide variant.
Coding change: c.1414C>G on transcript NM_207346.3 (MANE Select); coding-DNA position 1414, C replaced by G.
Protein change: p.Arg472Gly; replaces arginine 472 with glycine.
Molecular consequence: missense variant.
Genome position (GRCh38, 1-based): chr17:75,523,763, C>G. VCF-style: chr17-75523763-C-G. GRCh37 (hg19) VCF-style: chr17-73519844-C-G.
Other names: short protein forms R472G.
Identifiers: ClinVar variation 2633573 (VCV002633573.1), dbSNP rs779644096, ClinGen allele CA401030894.